The following is an entry in ClinVar:

ClinVar aggregate classification (germline): Uncertain significance. Review status: criteria provided, multiple submitters, no conflicts (2 of 4 stars). 2 submissions from 2 submitters: Uncertain significance (2). Last evaluated 2022-12-21.

Conditions:
Inborn genetic diseases. Identifiers: MedGen C0950123, MeSH D030342.
Developmental and epileptic encephalopathy, 53. Also called: Epileptic encephalopathy, early infantile, 53. Identifiers: MedGen C4479313, MONDO:0033362, OMIM 617389.
Early-onset Parkinson disease 20. Also called: PARKINSON DISEASE 20, AUTOSOMAL RECESSIVE EARLY-ONSET. Identifiers: Orphanet 391411, MedGen C3809824, MONDO:0014233, OMIM 615530.

Allele frequency attached by ClinVar (database versions not stated): gnomAD exomes below 0.00001; ExAC 0.00001; gnomAD 0.00002; TOPMed 0.00005; ESP Exome Variant Server 0.00008.
gnomAD v4.1: 4 of 1,614,052 alleles (0.00025%); highest among the groups gnomAD compares: African/African-American, 0.0053%; no homozygotes.

Submissions (2):

Ambry Genetics
Classification: Uncertain significance for Inborn genetic diseases. Last evaluated: 2022-12-21. Review status: criteria provided, single submitter. Criteria: Ambry Variant Classification Scheme 2023. Collection method: clinical testing. Allele origin: germline.

Labcorp Genetics (formerly Invitae), Labcorp
Classification: Uncertain significance for Developmental and epileptic encephalopathy, 53; Early-onset Parkinson disease 20. Last evaluated: 2022-07-05. Review status: criteria provided, single submitter. Criteria: Invitae Variant Classification Sherloc (09022015). Collection method: clinical testing. Allele origin: germline.
Comment: This sequence change replaces arginine, which is basic and polar, with glycine, which is neutral and non-polar, at codon 1257 of the SYNJ1 protein (p.Arg1257Gly). This variant is present in population databases (rs139146760, gnomAD 0.01%). This variant has not been reported in the literature in individuals affected with SYNJ1-related conditions. ClinVar contains an entry for this variant (Variation ID: 663463). Algorithms developed to predict the effect of missense changes on protein structure and function are either unavailable or do not agree on the potential impact of this missense change (SIFT: "Tolerated"; PolyPhen-2: "Possibly Damaging"; Align-GVGD: "Class C0"). In summary, the available evidence is currently insufficient to determine the role of this variant in disease. Therefore, it has been classified as a Variant of Uncertain Significance.

NM_203446.3(SYNJ1):c.3652A>G (p.Arg1218Gly)

Gene: SYNJ1 (synaptojanin 1; minus strand). Cytogenetic location: 21q22.11.
Variant type: single nucleotide variant.
Coding change: c.3652A>G on transcript NM_203446.3 (MANE Select); coding-DNA position 3652, A replaced by G.
Protein change: p.Arg1218Gly; replaces arginine 1218 with glycine.
Molecular consequence: missense variant.
Genome position (GRCh38, 1-based): chr21:32,639,716, T>C on the plus strand (A>G on the coding strand, the complement: SYNJ1 is on the minus strand). VCF-style: chr21-32639716-T-C. GRCh37 (hg19) VCF-style: chr21-34012026-T-C.
Other names: c.3604A>G, p.Arg1202Gly (NM_001160302.2); c.3511A>G, p.Arg1171Gly (NM_001160306.2); c.3769A>G, p.Arg1257Gly (NM_003895.4); short protein forms R1171G, R1202G, R1257G, R1218G.
Identifiers: ClinVar variation 663463 (VCV000663463.9), dbSNP rs139146760, ClinGen allele CA10003297.